The following is an entry in ClinVar:

NM_000553.6(WRN):c.926T>G (p.Leu309Arg)

Gene: WRN (WRN RecQ like helicase; plus strand). Cytogenetic location: 8p12.
Variant type: single nucleotide variant.
Coding change: c.926T>G on transcript NM_000553.6 (MANE Select); coding-DNA position 926, T replaced by G.
Protein change: p.Leu309Arg; replaces leucine 309 with arginine.
Molecular consequence: missense variant.
Genome position (GRCh38, 1-based): chr8:31,080,953, T>G. VCF-style: chr8-31080953-T-G. GRCh37 (hg19) VCF-style: chr8-30938469-T-G.
Other names: short protein forms L309R.
Identifiers: ClinVar variation 2095666 (VCV002095666.4), dbSNP rs1813279492, ClinGen allele CA370919918.

ClinVar aggregate classification (germline): Uncertain significance (1 of 4 stars; one submission).

Conditions:
Werner syndrome (WRN). Identifiers: Orphanet 902, MedGen C0043119, MONDO:0010196, OMIM 277700.

Submission:

Labcorp Genetics (formerly Invitae), Labcorp
Classification: Uncertain significance for Werner syndrome. Last evaluated: 2021-12-22. Review status: criteria provided, single submitter. Criteria: Invitae Variant Classification Sherloc (09022015). Collection method: clinical testing. Allele origin: germline.
Comment: This variant is not present in population databases (gnomAD no frequency). This sequence change replaces leucine, which is neutral and non-polar, with arginine, which is basic and polar, at codon 309 of the WRN protein (p.Leu309Arg). This variant has not been reported in the literature in individuals affected with WRN-related conditions. Algorithms developed to predict the effect of missense changes on protein structure and function are either unavailable or do not agree on the potential impact of this missense change (SIFT: "Not Available"; PolyPhen-2: "Benign"; Align-GVGD: "Not Available"). In summary, the available evidence is currently insufficient to determine the role of this variant in disease. Therefore, it has been classified as a Variant of Uncertain Significance.